The following is an entry in ClinVar:

ClinVar aggregate classification (germline): Uncertain significance (1 of 4 stars; one submission).

Conditions:
SLCO1B3-related disorder. Also called: SLCO1B3-related condition.

Allele frequency attached by ClinVar (database versions not stated): gnomAD exomes below 0.00001; TOPMed below 0.00001; gnomAD 0.00001.
gnomAD v4.1: 4 of 1,609,330 alleles (0.00025%); highest among the groups gnomAD compares: Admixed American, 0.0068%; no homozygotes.

Submission:

PreventionGenetics, part of Exact Sciences
Classification: Uncertain significance for SLCO1B3-related condition. Last evaluated: 2022-10-12. Review status: criteria provided, single submitter. Criteria: ACMG Guidelines, 2015. Collection method: clinical testing. Allele origin: germline.
Comment: The SLCO1B3 c.485G>A variant is predicted to result in the amino acid substitution p.Cys162Tyr. To our knowledge, this variant has not been reported in the literature or in a large population database, indicating this variant is rare. At this time, the clinical significance of this variant is uncertain due to the absence of conclusive functional and genetic evidence.

NM_019844.4(SLCO1B3):c.485G>A (p.Cys162Tyr)

Genes: SLCO1B3 (solute carrier organic anion transporter family member 1B3; plus strand), SLCO1B3-SLCO1B7 (SLCO1B3-SLCO1B7 readthrough; plus strand). Cytogenetic location: 12p12.2.
Variant type: single nucleotide variant.
Coding change: c.485G>A on transcript NM_019844.4 (MANE Select); coding-DNA position 485, G replaced by A.
Protein change: p.Cys162Tyr; replaces cysteine 162 with tyrosine.
Molecular consequence: missense variant.
Genome position (GRCh38, 1-based): chr12:20,862,415, G>A. VCF-style: chr12-20862415-G-A. GRCh37 (hg19) VCF-style: chr12-21015349-G-A.
Other names: c.485G>A, p.Cys162Tyr (NM_001371097.1); c.401G>A, p.Cys134Tyr (NM_001349920.2); short protein forms C134Y, C162Y.
Identifiers: ClinVar variation 2636745 (VCV002636745.1), dbSNP rs1565593296, ClinGen allele CA384091351.